The following is an entry in ClinVar:

NM_176787.5(PIGN):c.1603T>C (p.Ser535Pro)

Gene: PIGN (phosphatidylinositol glycan anchor biosynthesis class N; minus strand). Cytogenetic location: 18q21.33.
Variant type: single nucleotide variant.
Coding change: c.1603T>C on transcript NM_176787.5 (MANE Select); coding-DNA position 1603, T replaced by C.
Protein change: p.Ser535Pro; replaces serine 535 with proline.
Molecular consequence: missense variant.
Genome position (GRCh38, 1-based): chr18:62,107,057, A>G on the plus strand (T>C on the coding strand, the complement: PIGN is on the minus strand). VCF-style: chr18-62107057-A-G. GRCh37 (hg19) VCF-style: chr18-59774290-A-G.
Other names: c.1603T>C, p.Ser535Pro (NM_012327.6); short protein forms S535P.
Identifiers: ClinVar variation 646218 (VCV000646218.6), dbSNP rs906768360, ClinGen allele CA301706372.

ClinVar aggregate classification (germline): Uncertain significance (1 of 4 stars; one submission).

Conditions:
Multiple congenital anomalies-hypotonia-seizures syndrome 1 (MCAHS1). Also called: GLYCOSYLPHOSPHATIDYLINOSITOL BIOSYNTHESIS DEFECT 3; PIGN-CDG; Congenital disorder of glycosylation due to PIGN deficiency. Identifiers: Orphanet 280633, MedGen C3279775, MONDO:0013563, OMIM 614080.

Allele frequency attached by ClinVar (database versions not stated): gnomAD exomes below 0.00001 and 0.00001; gnomAD 0.00001.
gnomAD v4.1: 5 of 1,587,152 alleles (0.00032%); highest among the groups gnomAD compares: East Asian, 0.011%; no homozygotes.

Submission:

Labcorp Genetics (formerly Invitae), Labcorp
Classification: Uncertain significance for Multiple congenital anomalies-hypotonia-seizures syndrome 1. Last evaluated: 2021-09-02. Review status: criteria provided, single submitter. Criteria: Invitae Variant Classification Sherloc (09022015). Collection method: clinical testing. Allele origin: germline.
Comment: This sequence change replaces serine with proline at codon 535 of the PIGN protein (p.Ser535Pro). The serine residue is moderately conserved and there is a moderate physicochemical difference between serine and proline. This variant is not present in population databases (ExAC no frequency). This variant has not been reported in the literature in individuals affected with PIGN-related conditions. Algorithms developed to predict the effect of missense changes on protein structure and function are either unavailable or do not agree on the potential impact of this missense change (SIFT: "Deleterious"; PolyPhen-2: "Possibly Damaging"; Align-GVGD: "Class C0"). In summary, the available evidence is currently insufficient to determine the role of this variant in disease. Therefore, it has been classified as a Variant of Uncertain Significance.